The following is an entry in ClinVar:

ClinVar aggregate classification (germline): Pathogenic (1 of 4 stars; one submission).

Conditions:
Developmental and epileptic encephalopathy, 27 (DEE27). Also called: Epileptic encephalopathy, early infantile, 27; GRIN2B-Related Neurodevelopmental Disorder. Identifiers: Orphanet 3451, MedGen C4015316, MONDO:0014505, OMIM 616139.
Intellectual developmental disorder, autosomal dominant 6, with or without seizures. Also called: Intellectual disability, autosomal dominant 6; GRIN2B-related developmental delay, intellectual disability and autism spectrum disorder. Identifiers: Orphanet 589547, MedGen C3151411, MONDO:0013509, OMIM 613970.

Submission:

Labcorp Genetics (formerly Invitae), Labcorp
Classification: Pathogenic for Developmental and epileptic encephalopathy, 27; Intellectual developmental disorder, autosomal dominant 6, with or without seizures. Last evaluated: 2025-10-16. Review status: criteria provided, single submitter. Criteria: Invitae Variant Classification Sherloc (09022015). Collection method: clinical testing. Allele origin: germline.
Comment: This sequence change creates a premature translational stop signal (p.Ile1056Serfs*34) in the GRIN2B gene. While this is not anticipated to result in nonsense mediated decay, it is expected to disrupt the last 429 amino acid(s) of the GRIN2B protein. This variant is not present in population databases (gnomAD no frequency). This variant has not been reported in the literature in individuals affected with GRIN2B-related conditions. This variant disrupts a region of the GRIN2B protein in which other variant(s) (p.Tyr1304*) have been determined to be pathogenic (PMID: 37927744). This suggests that this is a clinically significant region of the protein, and that variants that disrupt it are likely to be disease-causing. For these reasons, this variant has been classified as Pathogenic.

Literature cited by the submitters: PubMed 37927744.

NM_000834.5(GRIN2B):c.3165del (p.Ile1056fs)

Gene: GRIN2B (glutamate ionotropic receptor NMDA type subunit 2B; minus strand). Cytogenetic location: 12p13.1.
Variant type: Deletion.
Coding change: c.3165del on transcript NM_000834.5 (MANE Select); coding-DNA position 3165, one base deleted (G; older notation c.3165delG).
Protein change: p.Ile1056fs; shifts the reading frame from isoleucine 1056.
Molecular consequence: frameshift variant.
Genome position (GRCh38, 1-based): chr12:13,564,073, C deleted on the plus strand (G on the coding strand, the reverse complement: GRIN2B is on the minus strand). VCF-style (leftmost placement, unchanged base first): chr12-13564072-TC-T. GRCh37 (hg19) VCF-style: chr12-13717006-TC-T.
Other names: c.3165del, p.Ile1056fs (NM_001413992.1); short protein forms I1056fs.
Identifiers: ClinVar variation 4786446 (VCV004786446.1).